The following is an entry in ClinVar:

NM_000493.4(COL10A1):c.1370C>T (p.Pro457Leu)

Genes: COL10A1 (collagen type X alpha 1 chain; minus strand), NT5DC1 (5'-nucleotidase domain containing 1; plus strand). Cytogenetic location: 6q22.1.
Variant type: single nucleotide variant.
Coding change: c.1370C>T on transcript NM_000493.4 (MANE Select); coding-DNA position 1370, C replaced by T.
Protein change: p.Pro457Leu; replaces proline 457 with leucine.
Molecular consequence: missense variant. On other transcripts: intron variant (1).
Genome position (GRCh38, 1-based): chr6:116,120,746, G>A on the plus strand (C>T on the coding strand, the complement: COL10A1 is on the minus strand). VCF-style: chr6-116120746-G-A. GRCh37 (hg19) VCF-style: chr6-116441909-G-A.
Other names: c.1370C>T, p.Pro457Leu (NM_001424106.1, NM_001424107.1); c.529+2801G>A (NM_152729.3); short protein forms P457L.
Identifiers: ClinVar variation 2766146 (VCV002766146.3), dbSNP rs904732728, ClinGen allele CA365388420.

ClinVar aggregate classification (germline): Uncertain significance (1 of 4 stars; one submission).

Submission:

Labcorp Genetics (formerly Invitae), Labcorp
Classification: Uncertain significance. Last evaluated: 2023-10-05. Review status: criteria provided, single submitter. Criteria: Invitae Variant Classification Sherloc (09022015). Collection method: clinical testing. Allele origin: germline.
Comment: This sequence change replaces proline, which is neutral and non-polar, with leucine, which is neutral and non-polar, at codon 457 of the COL10A1 protein (p.Pro457Leu). This variant is not present in population databases (gnomAD no frequency). This variant has not been reported in the literature in individuals affected with COL10A1-related conditions. Advanced modeling of protein sequence and biophysical properties (such as structural, functional, and spatial information, amino acid conservation, physicochemical variation, residue mobility, and thermodynamic stability) performed at Invitae indicates that this missense variant is not expected to disrupt COL10A1 protein function. In summary, the available evidence is currently insufficient to determine the role of this variant in disease. Therefore, it has been classified as a Variant of Uncertain Significance.